The following is an entry in ClinVar:

ClinVar aggregate classification (germline): Likely benign (1 of 4 stars; one submission).

Conditions:
CRB2-related disorder. Also called: CRB2-related disorders; CRB2-related condition.

gnomAD v4.1: 18 of 1,603,590 alleles (0.0011%); highest among the groups gnomAD compares: Middle Eastern, 0.016%; no homozygotes.

Submission:

PreventionGenetics, part of Exact Sciences
Classification: Likely benign for CRB2-related condition. Last evaluated: 2025-05-23. Review status: criteria provided, single submitter. Criteria: ACMG Guidelines, 2015. Collection method: clinical testing. Allele origin: germline.
Comment: This variant is classified as likely benign based on ACMG/AMP sequence variant interpretation guidelines (Richards et al. 2015 PMID: 25741868, with internal and published modifications).

NM_173689.7(CRB2):c.1674G>A (p.Ser558=)

Gene: CRB2 (crumbs cell polarity complex component 2; plus strand). Cytogenetic location: 9q33.3.
Variant type: single nucleotide variant.
Coding change: c.1674G>A on transcript NM_173689.7 (MANE Select); coding-DNA position 1674, G replaced by A.
Protein change: p.Ser558=; no amino-acid change (serine 558 retained).
Molecular consequence: synonymous variant. On other transcripts: non-coding transcript variant (1).
Genome position (GRCh38, 1-based): chr9:123,370,727, G>A. VCF-style: chr9-123370727-G-A. GRCh37 (hg19) VCF-style: chr9-126133006-G-A.
Identifiers: ClinVar variation 4983797 (VCV004983797.1).